The following is an entry in ClinVar:

ClinVar aggregate classification (germline): Uncertain significance (1 of 4 stars; one submission).

Conditions:
Evans syndrome, immunodeficiency, and premature immunosenescence associated with tripeptidyl-peptidase II deficiency. Identifiers: MedGen CN231723. Disease mechanism: loss of function.

gnomAD v4.1: 3 of 1,609,628 alleles (0.00019%); highest among the groups gnomAD compares: Non-Finnish European, 0.00025%; no homozygotes.

Submission:

Labcorp Genetics (formerly Invitae), Labcorp
Classification: Uncertain significance for Evans syndrome, immunodeficiency, and premature immunosenescence associated with tripeptidyl-peptidase II deficiency. Last evaluated: 2023-07-09. Review status: criteria provided, single submitter. Criteria: Invitae Variant Classification Sherloc (09022015). Collection method: clinical testing. Allele origin: germline.
Comment: In summary, the available evidence is currently insufficient to determine the role of this variant in disease. Therefore, it has been classified as a Variant of Uncertain Significance. An algorithm developed to predict the effect of missense changes on protein structure and function (PolyPhen-2) suggests that this variant is likely to be disruptive. This variant has not been reported in the literature in individuals affected with TPP2-related conditions. This variant is not present in population databases (gnomAD no frequency). This sequence change replaces arginine, which is basic and polar, with glutamine, which is neutral and polar, at codon 889 of the TPP2 protein (p.Arg889Gln).

NM_001330588.2(TPP2):c.2666G>A (p.Arg889Gln)

Gene: TPP2 (tripeptidyl peptidase 2; plus strand). Cytogenetic location: 13q33.1.
Variant type: single nucleotide variant.
Coding change: c.2666G>A on transcript NM_001330588.2 (MANE Select); coding-DNA position 2666, G replaced by A.
Protein change: p.Arg889Gln; replaces arginine 889 with glutamine.
Molecular consequence: missense variant. On other transcripts: non-coding transcript variant (1).
Genome position (GRCh38, 1-based): chr13:102,648,944, G>A. VCF-style: chr13-102648944-G-A. GRCh37 (hg19) VCF-style: chr13-103301294-G-A.
Other names: c.2666G>A, p.Arg889Gln (NM_001367947.1, NM_003291.4); short protein forms R889Q.
Identifiers: ClinVar variation 2963882 (VCV002963882.3), dbSNP rs2504039181, ClinGen allele CA388500981.
Genomic context (GRCh38, chr13:102,648,944, plus strand): 5'-CAAATGTTGTTTTTCTTTTTCAGTATTCTTTGAAACTGGAGAAAGGAGATTATACAATTC[G>A]ACTACAGATTCGCCATGAGCAAATCAGTGATTTGGAACGCCTTAAAGACCTTCCATTTAT-3'
Protein context (NP_001317517.1, residues 879-899): LKLEKGDYTI[Arg889Gln]LQIRHEQISD